The following is an entry in ClinVar:

ClinVar aggregate classification (germline): Uncertain significance. Review status: criteria provided, multiple submitters, no conflicts (2 of 4 stars). 4 submissions from 4 submitters: Uncertain significance (4). Last evaluated 2025-06-11.

Conditions:
Cardiovascular phenotype. Identifiers: MedGen CN230736.
Cardiomyopathy (CMYO). Also called: Cardiomyopathies. Identifiers: Orphanet 167848, MedGen C0878544, MONDO:0004994, HP:0001638. Inheritance: Various modes of inheritance.
Catecholaminergic polymorphic ventricular tachycardia 1. Also called: VENTRICULAR TACHYCARDIA, CATECHOLAMINERGIC POLYMORPHIC, 1, WITH OR WITHOUT ATRIAL DYSFUNCTION AND/OR DILATED CARDIOMYOPATHY; VENTRICULAR TACHYCARDIA, STRESS-INDUCED POLYMORPHIC 1; RYR2-Related Catecholaminergic Polymorphic Ventricular Tachycardia. Identifiers: Orphanet 3286, MedGen C1631597, MONDO:0011484, OMIM 604772.

Allele frequency attached by ClinVar (database versions not stated): gnomAD exomes below 0.00001; ExAC 0.00001; TOPMed 0.00002.
gnomAD v4.1: 2 of 1,613,860 alleles (0.00012%); highest among the groups gnomAD compares: Admixed American, 0.0017%; no homozygotes.

Submissions (4):

GeneDx
Classification: Uncertain significance. Last evaluated: 2025-06-11. Review status: criteria provided, single submitter. Criteria: GeneDx Variant Classification Process June 2021. Collection method: clinical testing. Allele origin: germline. Affected: yes.
Comment: Not observed at significant frequency in large population cohorts (gnomAD); In silico analysis supports that this missense variant has a deleterious effect on protein structure/function; Has not been previously published as pathogenic or benign to our knowledge; Not located in one of the three hot-spot regions of the RYR2 gene, where the majority of pathogenic missense variants occur (PMID: 19926015); This variant is associated with the following publications: (PMID: 19926015)

Ambry Genetics
Classification: Uncertain significance for Cardiovascular phenotype. Last evaluated: 2024-08-09. Review status: criteria provided, single submitter. Criteria: Ambry Variant Classification Scheme 2023. Collection method: clinical testing. Allele origin: germline.
Comment: The p.A1924G variant (also known as c.5771C>G), located in coding exon 38 of the RYR2 gene, results from a C to G substitution at nucleotide position 5771. The alanine at codon 1924 is replaced by glycine, an amino acid with similar properties. This amino acid position is highly conserved in available vertebrate species. In addition, the in silico prediction for this alteration is inconclusive. Based on the available evidence, the clinical significance of this variant remains unclear.

Color Diagnostics, LLC DBA Color Health
Classification: Uncertain significance for Cardiomyopathy. Last evaluated: 2024-03-06. Review status: criteria provided, single submitter. Criteria: ACMG Guidelines, 2015. Collection method: clinical testing. Allele origin: germline.
Comment: This missense variant replaces alanine with glycine at codon 1924 of the RYR2 protein. Computational prediction suggests that this variant may not impact protein structure and function (internally defined REVEL score threshold <= 0.5, PMID: 27666373). To our knowledge, functional studies have not been reported for this variant. This variant has not been reported in individuals affected with cardiovascular disorders in the literature. This variant has been identified in 1/248720 chromosomes in the general population by the Genome Aggregation Database (gnomAD). The available evidence is insufficient to determine the role of this variant in disease conclusively. Therefore, this variant is classified as a Variant of Uncertain Significance.

Labcorp Genetics (formerly Invitae), Labcorp
Classification: Uncertain significance for Catecholaminergic polymorphic ventricular tachycardia 1. Last evaluated: 2022-06-13. Review status: criteria provided, single submitter. Criteria: Invitae Variant Classification Sherloc (09022015). Collection method: clinical testing. Allele origin: germline.
Comment: This sequence change replaces alanine, which is neutral and non-polar, with glycine, which is neutral and non-polar, at codon 1924 of the RYR2 protein (p.Ala1924Gly). This variant is present in population databases (rs776358808, gnomAD 0.003%). This variant has not been reported in the literature in individuals affected with RYR2-related conditions. ClinVar contains an entry for this variant (Variation ID: 1332658). Advanced modeling of protein sequence and biophysical properties (such as structural, functional, and spatial information, amino acid conservation, physicochemical variation, residue mobility, and thermodynamic stability) performed at Invitae indicates that this missense variant is not expected to disrupt RYR2 protein function. In summary, the available evidence is currently insufficient to determine the role of this variant in disease. Therefore, it has been classified as a Variant of Uncertain Significance.

NM_001035.3(RYR2):c.5771C>G (p.Ala1924Gly)

Gene: RYR2 (ryanodine receptor 2; plus strand). Cytogenetic location: 1q43.
Variant type: single nucleotide variant.
Coding change: c.5771C>G on transcript NM_001035.3 (MANE Select); coding-DNA position 5771, C replaced by G.
Protein change: p.Ala1924Gly; replaces alanine 1924 with glycine.
Molecular consequence: missense variant.
Genome position (GRCh38, 1-based): chr1:237,617,341, C>G. VCF-style: chr1-237617341-C-G. GRCh37 (hg19) VCF-style: chr1-237780641-C-G.
Other names: c.5771C>G (NM_001035.2); short protein forms A1924G.
Identifiers: ClinVar variation 1332658 (VCV001332658.9), dbSNP rs776358808, ClinGen allele CA086966.
Genomic context (GRCh38, chr1:237,617,341, plus strand): 5'-CTTAGATGTGCCTACTGCTTCAGTACCTCTGTGACTGCCAGGTCCGGCACCGGATAGAAG[C>G]CATTGTAGCCTTTTCAGATGATTTTGTGGCTAAGCTCCAAGACAATCAACGTTTCCGATA-3'
Protein context (NP_001026.2, residues 1914-1934): CDCQVRHRIE[Ala1924Gly]IVAFSDDFVA